The following is an entry in ClinVar:

NM_000059.4(BRCA2):c.4891A>G (p.Lys1631Glu)

Gene: BRCA2 (BRCA2 DNA repair associated; plus strand). Cytogenetic location: 13q13.1.
Variant type: single nucleotide variant.
Coding change: c.4891A>G on transcript NM_000059.4 (MANE Select); coding-DNA position 4891, A replaced by G.
Protein change: p.Lys1631Glu; replaces lysine 1631 with glutamic acid.
Molecular consequence: missense variant.
Genome position (GRCh38, 1-based): chr13:32,339,246, A>G. VCF-style: chr13-32339246-A-G. GRCh37 (hg19) VCF-style: chr13-32913383-A-G.
Other names: c.4891A>G, p.Lys1631Glu (NM_001406719.1, NM_001406720.1); short protein forms K1631E.
Identifiers: ClinVar variation 1743861 (VCV001743861.5), dbSNP rs748213879, ClinGen allele CA6940823.

ClinVar aggregate classification (germline): Conflicting classifications of pathogenicity. Review status: criteria provided, conflicting classifications (1 of 4 stars). 2 submissions from 2 submitters: Uncertain significance (1); Likely benign (1). Last evaluated 2024-08-19.

Conditions:
Hereditary cancer-predisposing syndrome. Also called: Hereditary Cancer Syndrome; Neoplastic Syndromes, Hereditary; Tumor predisposition; Hereditary neoplastic syndrome. Identifiers: Orphanet 140162, MedGen C0027672, MeSH D009386, MONDO:0015356.

Allele frequency attached by ClinVar (database versions not stated): gnomAD exomes below 0.00001; ExAC 0.00001.
gnomAD v4.1: 1 of 1,613,166 alleles (0.000062%); highest among the groups gnomAD compares: Middle Eastern, 0.016%; no homozygotes.

Submissions (2):

Ambry Genetics
Classification: Uncertain significance for Hereditary cancer-predisposing syndrome. Last evaluated: 2024-08-19. Review status: criteria provided, single submitter. Criteria: Ambry Variant Classification Scheme 2023. Collection method: clinical testing. Allele origin: germline.
Comment: The p.K1631E variant (also known as c.4891A>G), located in coding exon 10 of the BRCA2 gene, results from an A to G substitution at nucleotide position 4891. The lysine at codon 1631 is replaced by glutamic acid, an amino acid with similar properties. This amino acid position is poorly conserved in available vertebrate species. In addition, this alteration is predicted to be tolerated by in silico analysis. Since supporting evidence is limited at this time, the clinical significance of this alteration remains unclear.

University of Washington Department of Laboratory Medicine, University of Washington
Classification: Likely benign for Hereditary cancer-predisposing syndrome. Last evaluated: 2023-03-23. Review status: criteria provided, single submitter. Criteria: Dines et al. (Genet Med. 2020). Collection method: curation. Allele origin: germline.
Comment: Missense variant in a coldspot region where missense variants are very unlikely to be pathogenic (PMID:31911673).

BRCA2 exon 11 coldspot. Reclassification based on statistical prior probability.